The following is an entry in ClinVar:

NM_182961.4(SYNE1):c.21977A>T (p.Gln7326Leu)

Gene: SYNE1 (spectrin repeat containing nuclear envelope protein 1; minus strand). Cytogenetic location: 6q25.2.
Variant type: single nucleotide variant.
Coding change: c.21977A>T on transcript NM_182961.4 (MANE Select); coding-DNA position 21977, A replaced by T.
Protein change: p.Gln7326Leu; replaces glutamine 7326 with leucine.
Molecular consequence: missense variant.
Genome position (GRCh38, 1-based): chr6:152,219,070, T>A on the plus strand (A>T on the coding strand, the complement: SYNE1 is on the minus strand). VCF-style: chr6-152219070-T-A. GRCh37 (hg19) VCF-style: chr6-152540205-T-A.
Other names: c.21764A>T, p.Gln7255Leu (NM_033071.5); short protein forms Q7255L, Q7326L.
Identifiers: ClinVar variation 2436628 (VCV002436628.7), dbSNP rs745463378, ClinGen allele CA4054005.

ClinVar aggregate classification (germline): Uncertain significance. Review status: criteria provided, multiple submitters, no conflicts (2 of 4 stars). 3 submissions from 3 submitters: Uncertain significance (3). Last evaluated 2024-06-10.

Conditions:
Emery-Dreifuss muscular dystrophy 4, autosomal dominant (EDMD4). Also called: EMERY-DREIFUSS MUSCULAR DYSTROPHY 4 WITH VARIABLE FEATURES. Identifiers: Orphanet 261, MedGen C2751807, MONDO:0013071, OMIM 612998.
Autosomal recessive ataxia, Beauce type. Also called: ATAXIA, RECESSIVE, OF BEAUCE; SYNE1 Deficiency; Spinocerebellar ataxia, autosomal recessive 8; SYNE1-Related Autosomal Recessive Cerebellar Ataxia. Identifiers: Orphanet 88644, MedGen C1853116, MONDO:0012549, OMIM 610743.

Allele frequency attached by ClinVar (database versions not stated): ExAC 0.00001; gnomAD exomes 0.00001; gnomAD 0.00003; TOPMed 0.00004.
gnomAD v4.1: 12 of 1,614,070 alleles (0.00074%); highest among the groups gnomAD compares: African/African-American, 0.008%; no homozygotes.

Submissions (3):

Women's Health and Genetics/Laboratory Corporation of America, LabCorp
Classification: Uncertain significance. Last evaluated: 2024-06-10. Review status: criteria provided, single submitter. Criteria: LabCorp Variant Classification Summary - May 2015. Collection method: clinical testing. Allele origin: germline.
Comment: Variant summary: SYNE1 c.21764A>T (p.Gln7255Leu) results in a non-conservative amino acid change in the encoded protein sequence. Three of five in-silico tools predict a benign effect of the variant on protein function. The variant allele was found at a frequency of 8e-06 in 251240 control chromosomes. The available data on variant occurrences in the general population are insufficient to allow any conclusion about variant significance. To our knowledge, no occurrence of c.21764A>T in individuals affected with SYNE1-Related Disorders and no experimental evidence demonstrating its impact on protein function have been reported. ClinVar contains an entry for this variant (Variation ID: 2436628). Based on the evidence outlined above, the variant was classified as uncertain significance.

Labcorp Genetics (formerly Invitae), Labcorp
Classification: Uncertain significance for Emery-Dreifuss muscular dystrophy 4, autosomal dominant; Autosomal recessive ataxia, Beauce type. Last evaluated: 2023-03-27. Review status: criteria provided, single submitter. Criteria: Invitae Variant Classification Sherloc (09022015). Collection method: clinical testing. Allele origin: germline.
Comment: This sequence change replaces glutamine, which is neutral and polar, with leucine, which is neutral and non-polar, at codon 7255 of the SYNE1 protein (p.Gln7255Leu). This variant is present in population databases (rs745463378, gnomAD 0.007%). This variant has not been reported in the literature in individuals affected with SYNE1-related conditions. ClinVar contains an entry for this variant (Variation ID: 2436628). An algorithm developed to predict the effect of missense changes on protein structure and function (PolyPhen-2) suggests that this variant is likely to be tolerated. In summary, the available evidence is currently insufficient to determine the role of this variant in disease. Therefore, it has been classified as a Variant of Uncertain Significance.

Revvity Omics, Revvity
Classification: Uncertain significance. Last evaluated: 2019-02-26. Review status: criteria provided, single submitter. Criteria: ACMG Guidelines, 2015. Collection method: clinical testing. Allele origin: germline.